The following is an entry in ClinVar:

NM_005006.7(NDUFS1):c.636G>A (p.Lys212=)

Gene: NDUFS1 (NADH:ubiquinone oxidoreductase core subunit S1; minus strand). Cytogenetic location: 2q33.3.
Variant type: single nucleotide variant.
Coding change: c.636G>A on transcript NM_005006.7 (MANE Select); coding-DNA position 636, G replaced by A.
Protein change: p.Lys212=; no amino-acid change (lysine 212 retained).
Molecular consequence: synonymous variant.
Genome position (GRCh38, 1-based): chr2:206,147,004, C>T on the plus strand (G>A on the coding strand, the complement: NDUFS1 is on the minus strand). VCF-style: chr2-206147004-C-T. GRCh37 (hg19) VCF-style: chr2-207011728-C-T.
Other names: c.528G>A, p.Lys176= (NM_001199981.2); c.303G>A, p.Lys101= (NM_001199982.2); c.465G>A, p.Lys155= (NM_001199983.2); c.678G>A, p.Lys226= (NM_001199984.2).
Identifiers: ClinVar variation 506770 (VCV000506770.1), dbSNP rs1553506702, ClinGen allele CA430955000.

ClinVar aggregate classification (germline): Likely benign (1 of 4 stars; one submission).

Allele frequency attached by ClinVar (database versions not stated): TOPMed below 0.00001.

Submission:

GeneDx
Classification: Likely benign. Last evaluated: 2017-01-23. Review status: criteria provided, single submitter. Criteria: GeneDx Variant Classification (06012015). Collection method: clinical testing. Allele origin: germline. Affected: yes.
Comment: This variant is considered likely benign or benign based on one or more of the following criteria: it is a conservative change, it occurs at a poorly conserved position in the protein, it is predicted to be benign by multiple in silico algorithms, and/or has population frequency not consistent with disease.